The following is an entry in ClinVar:

NM_001844.5(COL2A1):c.1993C>T (p.Gln665Ter)

Gene: COL2A1 (collagen type II alpha 1 chain; minus strand). Cytogenetic location: 12q13.11.
Variant type: single nucleotide variant.
Coding change: c.1993C>T on transcript NM_001844.5 (MANE Select); coding-DNA position 1993, C replaced by T.
Protein change: p.Gln665Ter; replaces glutamine 665 with a stop codon.
Molecular consequence: nonsense.
Genome position (GRCh38, 1-based): chr12:47,983,685, G>A on the plus strand (C>T on the coding strand, the complement: COL2A1 is on the minus strand). VCF-style: chr12-47983685-G-A. GRCh37 (hg19) VCF-style: chr12-48377468-G-A.
Other names: c.1786C>T, p.Gln596Ter (NM_033150.3); short protein forms Q596*, Q665*.
Identifiers: ClinVar variation 3602933 (VCV003602933.2).

ClinVar aggregate classification (germline): Pathogenic. Review status: criteria provided, multiple submitters, no conflicts (2 of 4 stars). 2 submissions from 2 submitters: Pathogenic (2). Last evaluated 2024-08-09.

Conditions:
COL2A1-related disorder. Also called: COL2A1-related condition; COL2A1-related disorders.

Submissions (2):

GeneDx
Classification: Pathogenic. Last evaluated: 2024-08-09. Review status: criteria provided, single submitter. Criteria: GeneDx Variant Classification Process June 2021. Collection method: clinical testing. Allele origin: germline. Affected: yes.
Comment: Nonsense variant predicted to result in protein truncation or nonsense mediated decay in a gene for which loss of function is a known mechanism of disease; Not observed at significant frequency in large population cohorts (gnomAD); This variant is associated with the following publications: (PMID: 35982159, 37644014, 29620724)

Blueprint Genetics
Classification: Pathogenic for COL2A1-related disorders. Last evaluated: 2022-12-29. Review status: criteria provided, single submitter. Criteria: ACMG Guidelines, 2015. Collection method: clinical testing. Allele origin: germline. Affected: yes. Observed: 1 variant allele.